The following is an entry in ClinVar:

NM_001184.4(ATR):c.5208T>C (p.Tyr1736=)

Gene: ATR (ATR checkpoint kinase; minus strand). Cytogenetic location: 3q23.
Variant type: single nucleotide variant.
Coding change: c.5208T>C on transcript NM_001184.4 (MANE Select); coding-DNA position 5208, T replaced by C.
Protein change: p.Tyr1736=; no amino-acid change (tyrosine 1736 retained).
Molecular consequence: synonymous variant.
Genome position (GRCh38, 1-based): chr3:142,503,442, A>G on the plus strand (T>C on the coding strand, the complement: ATR is on the minus strand). VCF-style: chr3-142503442-A-G. GRCh37 (hg19) VCF-style: chr3-142222284-A-G.
Other names: c.5016T>C, p.Tyr1672= (NM_001354579.2).
Identifiers: ClinVar variation 157992 (VCV000157992.23), dbSNP rs2227931, ClinGen allele CA171367.

ClinVar aggregate classification (germline): Benign/Likely benign. Review status: criteria provided, multiple submitters, no conflicts (2 of 4 stars). 11 submissions from 10 submitters: Benign (8); Likely benign (3). Last evaluated 2026-02-04.

Conditions:
Hereditary cancer-predisposing syndrome. Also called: Neoplastic Syndromes, Hereditary; Hereditary Cancer Syndrome; Tumor predisposition; Hereditary neoplastic syndrome. Identifiers: Orphanet 140162, MedGen C0027672, MeSH D009386, MONDO:0015356.
Familial cutaneous telangiectasia and oropharyngeal predisposition cancer syndrome. Identifiers: Orphanet 313846, MedGen C3281203, MONDO:0013806, OMIM 614564.
Seckel syndrome 1 (SCKL1). Also called: MICROCEPHALIC PRIMORDIAL DWARFISM I. Identifiers: Orphanet 808, MedGen C4551474, MONDO:0008869, OMIM 210600.

Allele frequency attached by ClinVar (database versions not stated): 1000 Genomes Project 30x 0.30965; 1000 Genomes Project 0.31250; TOPMed 0.33708; gnomAD 0.34011 and 0.34166; ESP Exome Variant Server 0.34957; gnomAD exomes 0.36011 and 0.38925; ExAC 0.36398.
gnomAD v4.1: 610,189 of 1,587,382 alleles (38%); highest among the groups gnomAD compares: Non-Finnish European, 41%; 120,773 homozygotes.

Submissions (11):

Labcorp Genetics (formerly Invitae), Labcorp
Classification: Benign. Last evaluated: 2026-02-04. Review status: criteria provided, single submitter. Criteria: Invitae Variant Classification Sherloc (09022015). Collection method: clinical testing. Allele origin: germline.

GeneKor MSA
Classification: Benign for Hereditary cancer-predisposing syndrome. Last evaluated: 2025-07-10. Review status: criteria provided, single submitter. Criteria: ACMG Guidelines, 2015. Collection method: clinical testing. Allele origin: germline.

Blueprint Genetics
Classification: Likely benign. Last evaluated: 2024-11-26. Review status: criteria provided, single submitter. Criteria: ACMG Guidelines, 2015. Collection method: clinical testing. Allele origin: germline.

KCCC/NGS Laboratory, Kuwait Cancer Control Center
Classification: Benign for Familial cutaneous telangiectasia and oropharyngeal predisposition cancer syndrome. Last evaluated: 2023-07-07. Review status: criteria provided, single submitter. Criteria: ACMG Guidelines, 2015. Collection method: clinical testing. Allele origin: germline. Affected: yes.

Genome-Nilou Lab
Classification: Benign for Seckel syndrome 1. Last evaluated: 2023-02-08. Review status: criteria provided, single submitter. Criteria: ACMG Guidelines, 2015. Collection method: clinical testing. Allele origin: germline.

Genome-Nilou Lab
Classification: Benign for Familial cutaneous telangiectasia and oropharyngeal predisposition cancer syndrome. Last evaluated: 2023-02-08. Review status: criteria provided, single submitter. Criteria: ACMG Guidelines, 2015. Collection method: clinical testing. Allele origin: germline.

Illumina Laboratory Services, Illumina
Classification: Benign for Seckel syndrome 1. Last evaluated: 2018-01-13. Review status: criteria provided, single submitter. Criteria: ICSL Variant Classification Criteria 13 December 2019. Collection method: clinical testing. Allele origin: germline.
Comment: This variant was observed in the ICSL laboratory as part of a predisposition screen in an ostensibly healthy population. It had not been previously curated by ICSL or reported in the Human Gene Mutation Database (HGMD: prior to June 1st, 2018), and was therefore a candidate for classification through an automated scoring system. Utilizing variant allele frequency, disease prevalence and penetrance estimates, and inheritance mode, an automated score was calculated to assess if this variant is too frequent to cause the disease. Based on the score and internal cut-off values, a variant classified as benign is not then subjected to further curation. The score for this variant resulted in a classification of benign for this disease.

Women's Health and Genetics/Laboratory Corporation of America, LabCorp
Classification: Benign. Last evaluated: 2016-04-27. Review status: criteria provided, single submitter. Criteria: LabCorp Variant Classification Summary - May 2015. Collection method: clinical testing. Allele origin: germline.
Comment: Variant summary: The c.5208C>T in ATR gene is a synonymous change that involves a non-conserved nucleotide. 5/5 programs in Alamut predict that this variant does not affect normal splicing. The variant is present in the control population dataset of ExAC at frequency of 36%. The observed frequency exceeds the maximum expected allele frequency for a pathogenic variant of 0.00006% in this gene, suggesting that it is a benign common polymorphism. The variant of interest has been reported as Benign/Polymorphism by a clinical laboratory and a published report (Durocher et al., 2006). Taken together, based on the prevalence in general population the variant was classified as Benign.

GeneDx
Classification: Benign. Last evaluated: 2015-03-03. Review status: criteria provided, single submitter. Criteria: GeneDx Variant Classification Process June 2021. Collection method: clinical testing. Allele origin: germline. Affected: yes.

Genetic Services Laboratory, University of Chicago
Classification: Likely benign. Last evaluated: 2013-08-15. Review status: criteria provided, single submitter. Criteria: ACMG Guidelines, 2007. Collection method: clinical testing. Allele origin: germline. Inheritance: Autosomal recessive inheritance.
Comment: Likely benign based on allele frequency in 1000 Genomes Project or ESP global frequency and its presence in a patient with a rare or unrelated disease phenotype. NOT Sanger confirmed

Breakthrough Genomics
Classification: Likely benign. Review status: criteria provided, single submitter. Criteria: ACMG Guidelines, 2015. Collection method: not provided. Allele origin: germline. Inheritance: Autosomal recessive inheritance. Affected: yes.

Literature cited by the submitters: PubMed 17010193 (cited by Women's Health and Genetics/Laboratory Corporation of America, LabCorp).